The following is an entry in ClinVar:

ClinVar aggregate classification (germline): Pathogenic. Review status: criteria provided, multiple submitters, no conflicts (2 of 4 stars). 4 submissions from 4 submitters: Pathogenic (2). 2 of the submissions do not count toward it. Last evaluated 2025-07-30.

Conditions:
Isovaleryl-CoA dehydrogenase deficiency (IVA). Also called: IVD DEFICIENCY; Isovaleric acidemia; Classic Isovaleric Acidemia; ISOVALERIC ACID CoA DEHYDROGENASE DEFICIENCY. Identifiers: Orphanet 33, MedGen C0268575, MONDO:0009475, OMIM 243500.

Allele frequency attached by ClinVar (database versions not stated): gnomAD exomes 0.00001.
gnomAD v4.1: 3 of 1,614,124 alleles (0.00019%); highest among the groups gnomAD compares: East Asian, 0.0022%; no homozygotes.

Submissions (4):

Natera, Inc.
Classification: Pathogenic for Isovaleryl-coa dehydrogenase deficiency. Last evaluated: 2025-07-30. Review status: criteria provided, single submitter. Criteria: Natera Variant Classification Schema (03/2026). Collection method: clinical testing. Allele origin: germline.
Comment: The c.466-2A>G variant in IVD is a canonical splice acceptor site variant predicted to affect pre-mRNA splicing, which may result in an abnormal transcript and altered protein product. This variant is expected to result in nonsense mediated decay, truncation, or a dysfunctional protein product. This variant is rare in the general population with a frequency below the threshold expected for the associated phenotype(s). This variant has been observed in one or more individuals affected with the associated recessive disease, as either homozygous or compound heterozygous with a second variant (PMID: 33935161). Given the available evidence, this variant is classified as Pathogenic.

Baylor Genetics
Classification: Pathogenic for Isovaleryl-CoA dehydrogenase deficiency. Last evaluated: 2024-03-14. Review status: criteria provided, single submitter. Criteria: ACMG Guidelines, 2015. Collection method: clinical testing. Allele origin: unknown.

SingHealth Duke-NUS Institute of Precision Medicine
Classification: Uncertain significance for Isovaleryl-CoA dehydrogenase deficiency. Last evaluated: 2017-06-07. Review status: no assertion criteria provided. Collection method: curation. Allele origin: germline. Affected: no. Not counted in ClinVar's aggregate classification.

Counsyl
Classification: Likely pathogenic for Isovaleryl-CoA dehydrogenase deficiency. Last evaluated: 2014-03-14. Review status: no assertion criteria provided. Collection method: literature only. Allele origin: unknown. Inheritance: Autosomal recessive inheritance. Not counted in ClinVar's aggregate classification.

Literature cited by the submitters: PubMed 33935161 (cited by Natera, Inc.); PubMed 17576084 (cited by Counsyl); PubMed 10677295 (cited by Counsyl).

NM_002225.5(IVD):c.457-2A>G

Gene: IVD (isovaleryl-CoA dehydrogenase; plus strand). Cytogenetic location: 15q15.1.
Variant type: single nucleotide variant.
Coding change: c.457-2A>G on transcript NM_002225.5 (MANE Select); the canonical splice acceptor site of the intron before coding-DNA position 457, A replaced by G.
Molecular consequence: splice acceptor variant.
Genome position (GRCh38, 1-based): chr15:40,411,258, A>G. VCF-style: chr15-40411258-A-G. GRCh37 (hg19) VCF-style: chr15-40703457-A-G.
Other names: c.544-2A>G (NM_001354600.3, NM_001354599.3); c.457-2A>G (NM_001354598.3, NM_001354601.3); c.409-2A>G (NM_001354597.3); c.367-2A>G (NM_001159508.3).
Identifiers: ClinVar variation 188720 (VCV000188720.6), dbSNP rs771914739, ClinGen allele CA273883.
Genomic context (GRCh38, chr15:40,411,258, plus strand): 5'-CAGTGAGCTGCTCTAGGGTACTCTGAGGTTGTAACAAGGCCTGTTGGGGGTTTTCCTTGC[A>G]GCTGATCAGTGGTGAGTACATCGGAGCCCTGGCCATGAGTGAGCCCAATGCAGGCTCTGA-3'